The following is an entry in ClinVar:

ClinVar aggregate classification (germline): Likely benign. Review status: criteria provided, multiple submitters, no conflicts (2 of 4 stars). 2 submissions from 2 submitters: Likely benign (2). Last evaluated 2017-04-27.

Conditions:
Factor XIII, A subunit, deficiency of. Also called: Factor XIII subunit A deficiency. Identifiers: Orphanet 331, MedGen C2750514, MONDO:0013187, OMIM 613225, HP:0040233.

Allele frequency attached by ClinVar (database versions not stated): gnomAD exomes 0.00447; gnomAD 0.04335 and 0.04625; 1000 Genomes Project 0.04872; TOPMed 0.04951; 1000 Genomes Project 30x 0.05418.
gnomAD v4.1: 12,326 of 1,379,034 alleles (0.89%); highest among the groups gnomAD compares: African/African-American, 15%; 893 homozygotes.

Submissions (2):

Illumina Laboratory Services, Illumina
Classification: Likely benign for Factor XIII, A subunit, deficiency of. Last evaluated: 2017-04-27. Review status: criteria provided, single submitter. Criteria: ICSL Variant Classification Criteria 13 December 2019. Collection method: clinical testing. Allele origin: germline.
Comment: This variant was observed as part of a predisposition screen in an ostensibly healthy population. A literature search was performed for the gene, cDNA change, and amino acid change (where applicable). No publications were found based on this search. Allele frequency data from public databases allowed determination this variant is unlikely to cause disease. Therefore, this variant is classified as likely benign.

Breakthrough Genomics
Classification: Likely benign. Review status: criteria provided, single submitter. Criteria: ACMG Guidelines, 2015. Collection method: not provided. Allele origin: germline. Inheritance: Autosomal recessive inheritance. Affected: yes.

NM_000129.4(F13A1):c.*112G>T

Gene: F13A1 (coagulation factor XIII A chain; minus strand). Cytogenetic location: 6p25.1.
Variant type: single nucleotide variant.
Coding change: c.*112G>T on transcript NM_000129.4 (MANE Select); 112 bases downstream of the stop codon, G replaced by T.
Molecular consequence: 3 prime UTR variant.
Genome position (GRCh38, 1-based): chr6:6,145,507, C>A on the plus strand (G>T on the coding strand, the complement: F13A1 is on the minus strand). VCF-style: chr6-6145507-C-A. GRCh37 (hg19) VCF-style: chr6-6145740-C-A.
Identifiers: ClinVar variation 357664 (VCV000357664.6), dbSNP rs3024463, ClinGen allele CA10627331.